The following is an entry in ClinVar:

ClinVar aggregate classification (germline): Uncertain significance. Review status: criteria provided, multiple submitters, no conflicts (2 of 4 stars). 2 submissions from 2 submitters: Uncertain significance (2). Last evaluated 2025-03-31.

Conditions:
Inborn genetic diseases. Identifiers: MedGen C0950123, MeSH D030342.

Allele frequency attached by ClinVar (database versions not stated): gnomAD 0.00005.
gnomAD v4.1: 74 of 1,605,058 alleles (0.0046%); highest among the groups gnomAD compares: East Asian, 0.029%; no homozygotes.

Submissions (2):

Labcorp Genetics (formerly Invitae), Labcorp
Classification: Uncertain significance. Last evaluated: 2025-03-31. Review status: criteria provided, single submitter. Criteria: Invitae Variant Classification Sherloc (09022015). Collection method: clinical testing. Allele origin: germline.
Comment: This sequence change replaces alanine, which is neutral and non-polar, with threonine, which is neutral and polar, at codon 614 of the ACAN protein (p.Ala614Thr). This variant is present in population databases (rs771963700, gnomAD 0.02%). This variant has not been reported in the literature in individuals affected with ACAN-related conditions. ClinVar contains an entry for this variant (Variation ID: 2195579). Invitae Evidence Modeling of protein sequence and biophysical properties (such as structural, functional, and spatial information, amino acid conservation, physicochemical variation, residue mobility, and thermodynamic stability) indicates that this missense variant is not expected to disrupt ACAN protein function with a negative predictive value of 80%. In summary, the available evidence is currently insufficient to determine the role of this variant in disease. Therefore, it has been classified as a Variant of Uncertain Significance.

Ambry Genetics
Classification: Uncertain significance for Inborn genetic diseases. Last evaluated: 2023-03-21. Review status: criteria provided, single submitter. Criteria: Ambry Variant Classification Scheme 2023. Collection method: clinical testing. Allele origin: germline.

NM_001369268.1(ACAN):c.1840G>A (p.Ala614Thr)

Gene: ACAN (aggrecan; plus strand). Cytogenetic location: 15q26.1.
Variant type: single nucleotide variant.
Coding change: c.1840G>A on transcript NM_001369268.1 (MANE Select); coding-DNA position 1840, G replaced by A.
Protein change: p.Ala614Thr; replaces alanine 614 with threonine.
Molecular consequence: missense variant.
Genome position (GRCh38, 1-based): chr15:88,849,545, G>A. VCF-style: chr15-88849545-G-A. GRCh37 (hg19) VCF-style: chr15-89392776-G-A.
Other names: c.1840G>A (NM_013227.3); c.1840G>A, p.Ala614Thr (NM_001135.4, NM_001411096.1, NM_001411097.1 and 1 more transcripts); short protein forms A614T.
Identifiers: ClinVar variation 2195579 (VCV002195579.6), dbSNP rs771963700, ClinGen allele CA7719704.